The following is an entry in ClinVar:

NM_001035.3(RYR2):c.10940C>T (p.Pro3647Leu)

Gene: RYR2 (ryanodine receptor 2; plus strand). Cytogenetic location: 1q43.
Variant type: single nucleotide variant.
Coding change: c.10940C>T on transcript NM_001035.3 (MANE Select); coding-DNA position 10940, C replaced by T.
Protein change: p.Pro3647Leu; replaces proline 3647 with leucine.
Molecular consequence: missense variant.
Genome position (GRCh38, 1-based): chr1:237,732,050, C>T. VCF-style: chr1-237732050-C-T. GRCh37 (hg19) VCF-style: chr1-237895350-C-T.
Other names: c.10940C>T (NM_001035.2); short protein forms P3647L.
Identifiers: ClinVar variation 927622 (VCV000927622.11), dbSNP rs776678165, ClinGen allele CA345418906.
Genomic context (GRCh38, chr1:237,732,050, plus strand): 5'-ATTTGAGTGAACATTTTTTTTTAATGTGACATTTTATAAATTTGACTTTTTTGCAGAAAC[C>T]TGGGGCTGAACCTCCAGAAGAAGATGAAGGCACTAAGAGAGTTGATCCTCTACATCAGCT-3'
Protein context (NP_001026.2, residues 3637-3657): EDKLIEDLAK[Pro3647Leu]GAEPPEEDEG

ClinVar aggregate classification (germline): Uncertain significance. Review status: criteria provided, multiple submitters, no conflicts (2 of 4 stars). 4 submissions from 4 submitters: Uncertain significance (4). Last evaluated 2026-09-07.

Conditions:
Cardiovascular phenotype. Identifiers: MedGen CN230736.
Catecholaminergic polymorphic ventricular tachycardia 1. Also called: RYR2-Related Catecholaminergic Polymorphic Ventricular Tachycardia; VENTRICULAR TACHYCARDIA, CATECHOLAMINERGIC POLYMORPHIC, 1, WITH OR WITHOUT ATRIAL DYSFUNCTION AND/OR DILATED CARDIOMYOPATHY; VENTRICULAR TACHYCARDIA, STRESS-INDUCED POLYMORPHIC 1. Identifiers: Orphanet 3286, MedGen C1631597, MONDO:0011484, OMIM 604772.
Cardiomyopathy (CMYO). Also called: Cardiomyopathies. Identifiers: Orphanet 167848, MedGen C0878544, MONDO:0004994, HP:0001638. Inheritance: Various modes of inheritance.

Submissions (4):

GeneDx
Classification: Uncertain significance. Last evaluated: 2026-09-07. Review status: criteria provided, single submitter. Criteria: GeneDx Variant Classification Process June 2021. Collection method: clinical testing. Allele origin: germline.
Comment: Not observed at significant frequency in large population cohorts (gnomAD); In silico analysis supports that this missense variant has a deleterious effect on protein structure/function; Has not been previously published as pathogenic or benign to our knowledge; Not located in one of the three hot-spot regions of the RYR2 gene, where the majority of pathogenic missense variants occur (PMID: 19926015); This variant is associated with the following publications: (PMID: 19926015)

Ambry Genetics
Classification: Uncertain significance for Cardiovascular phenotype. Last evaluated: 2025-12-30. Review status: criteria provided, single submitter. Criteria: Ambry Variant Classification Scheme 2023. Collection method: clinical testing. Allele origin: germline.
Comment: The p.P3647L variant (also known as c.10940C>T), located in coding exon 78 of the RYR2 gene, results from a C to T substitution at nucleotide position 10940. The proline at codon 3647 is replaced by leucine, an amino acid with similar properties. This amino acid position is conserved. In addition, the in silico prediction for this alteration is inconclusive. Based on the available evidence, the clinical significance of this variant remains unclear.

Color Diagnostics, LLC DBA Color Health
Classification: Uncertain significance for Cardiomyopathy. Last evaluated: 2023-12-05. Review status: criteria provided, single submitter. Criteria: ACMG Guidelines, 2015. Collection method: clinical testing. Allele origin: germline.
Comment: This missense variant replaces proline with leucine at codon 3647 of the RYR2 protein. Computational prediction tools and conservation analyses suggest that this variant may have deleterious impact on the protein function. Computational splicing tools suggest that this variant may not impact RNA splicing. To our knowledge, functional assays have not been performed for this variant nor has this variant been reported in individuals affected with cardiovascular disorders in the literature. This variant has not been identified in the general population by the Genome Aggregation Database (gnomAD). Available evidence is insufficient to determine the role of this variant in disease conclusively. Therefore, this variant is classified as a Variant of Uncertain Significance.

Labcorp Genetics (formerly Invitae), Labcorp
Classification: Uncertain significance for Catecholaminergic polymorphic ventricular tachycardia 1. Last evaluated: 2023-08-04. Review status: criteria provided, single submitter. Criteria: Invitae Variant Classification Sherloc (09022015). Collection method: clinical testing. Allele origin: germline.
Comment: This sequence change replaces proline, which is neutral and non-polar, with leucine, which is neutral and non-polar, at codon 3647 of the RYR2 protein (p.Pro3647Leu). This variant is not present in population databases (gnomAD no frequency). This variant has not been reported in the literature in individuals affected with RYR2-related conditions. ClinVar contains an entry for this variant (Variation ID: 927622). Advanced modeling of protein sequence and biophysical properties (such as structural, functional, and spatial information, amino acid conservation, physicochemical variation, residue mobility, and thermodynamic stability) performed at Invitae indicates that this missense variant is not expected to disrupt RYR2 protein function. In summary, the available evidence is currently insufficient to determine the role of this variant in disease. Therefore, it has been classified as a Variant of Uncertain Significance.